The following is an entry in ClinVar:

ClinVar aggregate classification (germline): Uncertain significance. Review status: criteria provided, multiple submitters, no conflicts (2 of 4 stars). 2 submissions from 2 submitters: Uncertain significance (2). Last evaluated 2025-03-04.

Conditions:
Inborn genetic diseases. Identifiers: MedGen C0950123, MeSH D030342.

Allele frequency attached by ClinVar (database versions not stated): gnomAD 0.00001; TOPMed 0.00002.
gnomAD v4.1: 2 of 1,552,172 alleles (0.00013%); highest among the groups gnomAD compares: Admixed American, 0.0039%; no homozygotes.

Submissions (2):

Ambry Genetics
Classification: Uncertain significance for Inborn genetic diseases. Last evaluated: 2025-03-04. Review status: criteria provided, single submitter. Criteria: Ambry Variant Classification Scheme 2023. Collection method: clinical testing. Allele origin: germline.

Labcorp Genetics (formerly Invitae), Labcorp
Classification: Uncertain significance. Last evaluated: 2022-02-28. Review status: criteria provided, single submitter. Criteria: Invitae Variant Classification Sherloc (09022015). Collection method: clinical testing. Allele origin: germline.
Comment: This sequence change replaces valine, which is neutral and non-polar, with phenylalanine, which is neutral and non-polar, at codon 816 of the ZSWIM6 protein (p.Val816Phe). This variant is not present in population databases (gnomAD no frequency). In summary, the available evidence is currently insufficient to determine the role of this variant in disease. Therefore, it has been classified as a Variant of Uncertain Significance. Algorithms developed to predict the effect of missense changes on protein structure and function are either unavailable or do not agree on the potential impact of this missense change (SIFT: "Deleterious"; PolyPhen-2: "Possibly Damaging"; Align-GVGD: "Class C0"). This variant has not been reported in the literature in individuals affected with ZSWIM6-related conditions.

NM_020928.2(ZSWIM6):c.2446G>T (p.Val816Phe)

Gene: ZSWIM6 (zinc finger SWIM-type containing 6; plus strand). Cytogenetic location: 5q12.1.
Variant type: single nucleotide variant.
Coding change: c.2446G>T on transcript NM_020928.2 (MANE Select); coding-DNA position 2446, G replaced by T.
Protein change: p.Val816Phe; replaces valine 816 with phenylalanine.
Molecular consequence: missense variant.
Genome position (GRCh38, 1-based): chr5:61,538,878, G>T. VCF-style: chr5-61538878-G-T. GRCh37 (hg19) VCF-style: chr5-60834705-G-T.
Other names: c.2446G>T (NM_020928.1); short protein forms V816F.
Identifiers: ClinVar variation 1990803 (VCV001990803.5), dbSNP rs1749652401, ClinGen allele CA359945363.